The following is an entry in ClinVar:

ClinVar aggregate classification (germline): Likely benign (0 of 4 stars; one submission).

Conditions:
NLRP2-related disorder. Also called: NLRP2-related condition.

Allele frequency attached by ClinVar (database versions not stated): gnomAD 0.00001; ExAC 0.00005.
gnomAD v4.1: 21 of 1,612,652 alleles (0.0013%); highest among the groups gnomAD compares: South Asian, 0.0044%; no homozygotes.

Submission:

PreventionGenetics, part of Exact Sciences
Classification: Likely benign for NLRP2-related condition. Last evaluated: 2021-07-20. Review status: no assertion criteria provided. Collection method: clinical testing. Allele origin: germline.
Comment: This variant is classified as likely benign based on ACMG/AMP sequence variant interpretation guidelines (Richards et al. 2015 PMID: 25741868, with internal and published modifications).

NM_017852.5(NLRP2):c.1380G>A (p.Ala460=)

Gene: NLRP2 (NLR family pyrin domain containing 2; plus strand). Cytogenetic location: 19q13.42.
Variant type: single nucleotide variant.
Coding change: c.1380G>A on transcript NM_017852.5 (MANE Select); coding-DNA position 1380, G replaced by A.
Protein change: p.Ala460=; no amino-acid change (alanine 460 retained).
Molecular consequence: synonymous variant. On other transcripts: non-coding transcript variant (1).
Genome position (GRCh38, 1-based): chr19:54,983,078, G>A. VCF-style: chr19-54983078-G-A. GRCh37 (hg19) VCF-style: chr19-55494446-G-A.
Other names: c.1380G>A, p.Ala460= (NM_001174081.3); c.1314G>A, p.Ala438= (NM_001174082.3); c.1311G>A, p.Ala437= (NM_001174083.2); c.1371G>A, p.Ala457= (NM_001348003.2).
Identifiers: ClinVar variation 3030405 (VCV003030405.2), dbSNP rs747647043, ClinGen allele CA310104553.
Genomic context (GRCh38, chr19:54,983,078, plus strand): 5'-CGCACAGCTGCGGGGCGCGCTGCGGACGCTGAGCCTCCTGGCCGCGCAGGGCCTGTGGGC[G>A]CAGACGTCCGTGCTTCACCGAGAGGATCTGGAAAGGCTCGGGGTGCAGGAGTCCGACCTC-3'
Protein context (NP_060322.1, residues 450-470): LSLLAAQGLW[Ala460=]QTSVLHREDL